The following is an entry in ClinVar:

NM_000138.5(FBN1):c.7407A>G (p.Ser2469=)

Gene: FBN1 (fibrillin 1; minus strand). Cytogenetic location: 15q21.1.
Variant type: single nucleotide variant.
Coding change: c.7407A>G on transcript NM_000138.5 (MANE Select); coding-DNA position 7407, A replaced by G.
Protein change: p.Ser2469=; no amino-acid change (serine 2469 retained).
Molecular consequence: synonymous variant.
Genome position (GRCh38, 1-based): chr15:48,425,415, T>C on the plus strand (A>G on the coding strand, the complement: FBN1 is on the minus strand). VCF-style: chr15-48425415-T-C. GRCh37 (hg19) VCF-style: chr15-48717612-T-C.
Identifiers: ClinVar variation 36114 (VCV000036114.19), dbSNP rs193922232, ClinGen allele CA017188.
Genomic context (GRCh38, chr15:48,425,415, plus strand): 5'-CAATTCTACTTTACCTTTGCAGCTCCTTCCATCCTCTTGCAGAATGTAGCCTTTCGGGCA[T>C]GAACACTGGTAACTCCCTTCTGTGTTTTTGCAGATAAAATTGCAGGGTTTGGGAGCCTGG-3'
Protein context (NP_000129.3, residues 2459-2479): CKNTEGSYQC[Ser2469=]CPKGYILQED

ClinVar aggregate classification (germline): Likely benign. Review status: criteria provided, multiple submitters, no conflicts (2 of 4 stars). 5 submissions from 5 submitters: Likely benign (5). Last evaluated 2025-02-08.

Conditions:
Familial thoracic aortic aneurysm and aortic dissection (TAAD). Also called: Thoracic aortic aneurysms and dissections. Identifiers: Orphanet 91387, MedGen C4707243, MONDO:0019625.
Marfan syndrome (MFS). Also called: MARFAN SYNDROME, TYPE I; Marfan syndrome, classic; FBN1-Related Marfan Syndrome; Marfan syndrome type 1; Marfan's syndrome. Identifiers: Orphanet 284963, Orphanet 558, MedGen C0024796, MONDO:0007947, OMIM 154700.
FBN1-related disorder. Also called: FBN1-related disorders.

Allele frequency attached by ClinVar (database versions not stated): gnomAD exomes below 0.00001.
gnomAD v4.1: 4 of 1,614,212 alleles (0.00025%); highest among the groups gnomAD compares: Non-Finnish European, 0.00034%; no homozygotes.

Submissions (5):

PreventionGenetics, part of Exact Sciences
Classification: Likely benign for FBN1-related condition. Last evaluated: 2025-02-08. Review status: criteria provided, single submitter. Criteria: ACMG Guidelines, 2015. Collection method: clinical testing. Allele origin: germline.
Comment: This variant is classified as likely benign based on ACMG/AMP sequence variant interpretation guidelines (Richards et al. 2015 PMID: 25741868, with internal and published modifications).

Labcorp Genetics (formerly Invitae), Labcorp
Classification: Likely benign for Marfan syndrome; Familial thoracic aortic aneurysm and aortic dissection. Last evaluated: 2023-10-13. Review status: criteria provided, single submitter. Criteria: Invitae Variant Classification Sherloc (09022015). Collection method: clinical testing. Allele origin: germline.

All of Us Research Program, National Institutes of Health
Classification: Likely benign for Marfan syndrome. Last evaluated: 2023-06-26. Review status: criteria provided, single submitter. Criteria: ACMG Guidelines, 2015. Collection method: clinical testing. Allele origin: germline. Inheritance: Autosomal dominant inheritance. Observed: 1 variant allele, 1 heterozygote.
Comment: This study involves interpretation of variants in research participants for the purpose of population health screening. Participant phenotype was not available at the time of variant classification. Additional details can be found in publication PMID: 35346344, PMCID: PMC8962531

Ambry Genetics
Classification: Likely benign for Familial thoracic aortic aneurysm and aortic dissection. Last evaluated: 2022-08-20. Review status: criteria provided, single submitter. Criteria: Ambry Variant Classification Scheme 2023. Collection method: clinical testing. Allele origin: germline.

Women's Health and Genetics/Laboratory Corporation of America, LabCorp
Classification: Likely benign for Marfan Syndrome. Last evaluated: 2011-08-18. Review status: criteria provided, single submitter. Criteria: LabCorp Variant Classification Summary - May 2015. Collection method: curation, clinical testing. Allele origin: germline. Inheritance: autosomal unknown. Affected: yes.
ClinVar note: Converted during submission from likely benign to Likely benign.